The following is an entry in ClinVar:

NM_004006.3(DMD):c.10901G>A (p.Ser3634Asn)

Gene: DMD (dystrophin; minus strand). Cytogenetic location: Xp21.2.
Variant type: single nucleotide variant.
Coding change: c.10901G>A on transcript NM_004006.3 (MANE Select); coding-DNA position 10901, G replaced by A.
Protein change: p.Ser3634Asn; replaces serine 3634 with asparagine.
Molecular consequence: missense variant.
Genome position (GRCh38, 1-based): chrX:31,146,311, C>T on the plus strand (G>A on the coding strand, the complement: DMD is on the minus strand). VCF-style: chrX-31146311-C-T. GRCh37 (hg19) VCF-style: chrX-31164428-C-T.
Other names: c.10877G>A, p.Ser3626Asn (NM_000109.4); c.10889G>A, p.Ser3630Asn (NM_004009.3); c.10532G>A, p.Ser3511Asn (NM_004010.3); c.6878G>A, p.Ser2293Asn (NM_004011.4); c.6869G>A, p.Ser2290Asn (NM_004012.4); c.3521G>A, p.Ser1174Asn (NM_004013.3, NM_004021.3); c.2714G>A, p.Ser905Asn (NM_004014.3); c.1697G>A, p.Ser566Asn (NM_004015.3, NM_004016.3); and 3 more; short protein forms S2290N, S3634N, S905N, S2293N, S3511N, S566N, S1161N, S1174N.
Identifiers: ClinVar variation 3707360 (VCV003707360.2).

ClinVar aggregate classification (germline): Uncertain significance (1 of 4 stars; one submission).

Conditions:
Duchenne muscular dystrophy (DMD). Also called: MUSCULAR DYSTROPHY, PSEUDOHYPERTROPHIC PROGRESSIVE, DUCHENNE TYPE; Duchenne Muscular Dystrophy (DMD). Identifiers: Orphanet 98896, MedGen C0013264, MONDO:0010679, OMIM 310200.

gnomAD v4.1: 1 of 1,211,175 alleles (0.000083%); no homozygotes.

Submission:

Labcorp Genetics (formerly Invitae), Labcorp
Classification: Uncertain significance for Duchenne muscular dystrophy. Last evaluated: 2024-04-22. Review status: criteria provided, single submitter. Criteria: Invitae Variant Classification Sherloc (09022015). Collection method: clinical testing. Allele origin: germline.
Comment: This sequence change replaces serine, which is neutral and polar, with asparagine, which is neutral and polar, at codon 3634 of the DMD protein (p.Ser3634Asn). This variant is present in population databases (no rsID available, gnomAD 0.001%). This variant has not been reported in the literature in individuals affected with DMD-related conditions. Advanced modeling of protein sequence and biophysical properties (such as structural, functional, and spatial information, amino acid conservation, physicochemical variation, residue mobility, and thermodynamic stability) performed at Invitae indicates that this missense variant is not expected to disrupt DMD protein function with a negative predictive value of 95%. In summary, the available evidence is currently insufficient to determine the role of this variant in disease. Therefore, it has been classified as a Variant of Uncertain Significance.